The following is an entry in ClinVar:

ClinVar aggregate classification (germline): Uncertain significance (1 of 4 stars; one submission).

gnomAD v4.1: 1 of 1,554,052 alleles (0.000064%); highest among the groups gnomAD compares: South Asian, 0.0012%; no homozygotes.

Submission:

GeneDx
Classification: Uncertain significance. Last evaluated: 2022-10-14. Review status: criteria provided, single submitter. Criteria: GeneDx Variant Classification Process June 2021. Collection method: clinical testing. Allele origin: germline. Affected: yes.
Comment: Not observed at significant frequency in large population cohorts (gnomAD); In silico analysis supports that this missense variant does not alter protein structure/function; Has not been previously published as pathogenic or benign to our knowledge

NM_002693.3(POLG):c.458C>T (p.Ala153Val)

Genes: POLG (DNA polymerase gamma, catalytic subunit; minus strand), POLGARF (POLG alternative reading frame; minus strand). Cytogenetic location: 15q26.1.
Variant type: single nucleotide variant.
Coding change: c.458C>T on transcript NM_002693.3 (MANE Select); coding-DNA position 458, C replaced by T.
Protein change: p.Ala153Val; replaces alanine 153 with valine.
Molecular consequence: missense variant.
Genome position (GRCh38, 1-based): chr15:89,333,297, G>A on the plus strand (C>T on the coding strand, the complement: POLG is on the minus strand). VCF-style: chr15-89333297-G-A. GRCh37 (hg19) VCF-style: chr15-89876528-G-A.
Other names: c.458C>T, p.Ala153Val (NM_001126131.2); short protein forms A153V.
Identifiers: ClinVar variation 2499271 (VCV002499271.1), dbSNP rs2509275324, ClinGen allele CA393771559.